The following is an entry in ClinVar:

ClinVar aggregate classification (germline): Benign. Review status: criteria provided, multiple submitters, no conflicts (2 of 4 stars). 8 submissions from 8 submitters: Benign (6). 2 of the submissions do not count toward it. Last evaluated 2026-02-02.

Conditions:
Neuromuscular disease caused by qualitative or quantitative defects of dysferlin. Also called: Qualitative or quantitative defects of dysferlin; Dysferlinopathy. Identifiers: Orphanet 207073, MedGen C2931687, MONDO:0016145.
Autosomal recessive limb-girdle muscular dystrophy type 2B (LGMDR2). Also called: MUSCULAR DYSTROPHY, LIMB-GIRDLE, TYPE 3; Limb-girdle muscular dystrophy, type 2B; Limb-Girdle Muscular Dystrophy Type 2B (LGMD2B); MUSCULAR DYSTROPHY, LIMB-GIRDLE, AUTOSOMAL RECESSIVE 2. Identifiers: Orphanet 268, MedGen C1850889, MONDO:0009676, OMIM 253601.

Allele frequency attached by ClinVar (database versions not stated): ESP Exome Variant Server 0.01030; TOPMed 0.01057; 1000 Genomes Project 30x 0.01218; 1000 Genomes Project 0.01238.
gnomAD v4.1: 2,960 of 1,614,070 alleles (0.18%); highest among the groups gnomAD compares: African/African-American, 3.4%; 48 homozygotes.

Submissions (8):

Labcorp Genetics (formerly Invitae), Labcorp
Classification: Benign for Neuromuscular disease caused by qualitative or quantitative defects of dysferlin. Last evaluated: 2026-02-02. Review status: criteria provided, single submitter. Criteria: Invitae Variant Classification Sherloc (09022015). Collection method: clinical testing. Allele origin: germline.

Mayo Clinic Laboratories, Mayo Clinic
Classification: Benign. Last evaluated: 2018-05-23. Review status: criteria provided, single submitter. Criteria: ACMG Guidelines, 2015. Collection method: clinical testing. Allele origin: germline. Observed: 9 variant alleles.

Athena Diagnostics
Classification: Benign. Last evaluated: 2018-02-13. Review status: criteria provided, single submitter. Criteria: Athena Diagnostics Criteria. Collection method: clinical testing. Allele origin: germline.

GeneDx
Classification: Benign. Last evaluated: 2016-07-20. Review status: criteria provided, single submitter. Criteria: GeneDx Variant Classification (06012015). Collection method: clinical testing. Allele origin: germline. Affected: yes.
Comment: This variant is considered likely benign or benign based on one or more of the following criteria: it is a conservative change, it occurs at a poorly conserved position in the protein, it is predicted to be benign by multiple in silico algorithms, and/or has population frequency not consistent with disease.

Breakthrough Genomics
Classification: Benign. Review status: criteria provided, single submitter. Criteria: ACMG Guidelines, 2015. Collection method: not provided. Allele origin: germline. Inheritance: Autosomal recessive inheritance. Affected: yes.

PreventionGenetics, part of Exact Sciences
Classification: Benign. Review status: criteria provided, single submitter. Criteria: ACMG Guidelines, 2015. Collection method: clinical testing. Allele origin: germline.

Natera, Inc.
Classification: Benign for Limb-girdle muscular dystrophy type 2B. Last evaluated: 2020-09-16. Review status: no assertion criteria provided. Collection method: clinical testing. Allele origin: germline. Not counted in ClinVar's aggregate classification.

Genetic Services Laboratory, University of Chicago
Classification: Likely benign for AllHighlyPenetrant. Review status: no assertion criteria provided. Collection method: clinical testing. Allele origin: germline. Inheritance: Autosomal recessive inheritance. Not counted in ClinVar's aggregate classification.
Comment: Likely benign based on allele frequency in 1000 Genomes Project or ESP global frequency and its presence in a patient with a rare or unrelated disease phenotype. NOT Sanger confirmed.

NM_001130987.2(DYSF):c.1518C>T (p.Ile506=)

Gene: DYSF (dysferlin; plus strand). Cytogenetic location: 2p13.2.
Variant type: single nucleotide variant.
Coding change: c.1518C>T on transcript NM_001130987.2 (MANE Select); coding-DNA position 1518, C replaced by T.
Protein change: p.Ile506=; no amino-acid change (isoleucine 506 retained).
Molecular consequence: synonymous variant.
Genome position (GRCh38, 1-based): chr2:71,539,181, C>T. VCF-style: chr2-71539181-C-T. GRCh37 (hg19) VCF-style: chr2-71766311-C-T.
Other names: p.Ile474=; c.1425C>T, p.Ile475= (NM_001130455.2, NM_001130983.2, NM_001130984.2 and 1 more transcripts); c.1422C>T, p.Ile474= (NM_001130976.2, NM_001130977.2, NM_001130978.2 and 1 more transcripts); c.1515C>T, p.Ile505= (NM_001130979.2, NM_001130980.2, NM_001130981.2); c.1518C>T, p.Ile506= (NM_001130982.2, NM_001130985.2).
Identifiers: ClinVar variation 128946 (VCV000128946.21), dbSNP rs34387018, ClinGen allele CA152661.